The following is an entry in ClinVar:

NM_015509.4(NECAP1):c.430G>A (p.Asp144Asn)

Gene: NECAP1 (NECAP endocytosis associated 1; plus strand). Cytogenetic location: 12p13.31.
Variant type: single nucleotide variant.
Coding change: c.430G>A on transcript NM_015509.4 (MANE Select); coding-DNA position 430, G replaced by A.
Protein change: p.Asp144Asn; replaces aspartic acid 144 with asparagine.
Molecular consequence: missense variant. On other transcripts: non-coding transcript variant (1).
Genome position (GRCh38, 1-based): chr12:8,092,722, G>A. VCF-style: chr12-8092722-G-A. GRCh37 (hg19) VCF-style: chr12-8245318-G-A.
Other names: short protein forms D144N.
Identifiers: ClinVar variation 1348120 (VCV001348120.5), dbSNP rs1219581866, ClinGen allele CA383799418.

ClinVar aggregate classification (germline): Uncertain significance (1 of 4 stars; one submission).

Conditions:
Developmental and epileptic encephalopathy, 21 (DEE21). Also called: Early infantile epileptic encephalopathy 21. Identifiers: Orphanet 442835, MedGen C4014430, MONDO:0014360, OMIM 615833.

Allele frequency attached by ClinVar (database versions not stated): gnomAD exomes below 0.00001 and 0.00001; TOPMed below 0.00001; gnomAD 0.00001.

Submission:

Labcorp Genetics (formerly Invitae), Labcorp
Classification: Uncertain significance for Developmental and epileptic encephalopathy, 21. Last evaluated: 2022-03-19. Review status: criteria provided, single submitter. Criteria: Invitae Variant Classification Sherloc (09022015). Collection method: clinical testing. Allele origin: germline.
Comment: This sequence change replaces aspartic acid, which is acidic and polar, with asparagine, which is neutral and polar, at codon 144 of the NECAP1 protein (p.Asp144Asn). This variant is present in population databases (no rsID available, gnomAD 0.008%). This variant has not been reported in the literature in individuals affected with NECAP1-related conditions. Algorithms developed to predict the effect of missense changes on protein structure and function are either unavailable or do not agree on the potential impact of this missense change (SIFT: "Not Available"; PolyPhen-2: "Benign"; Align-GVGD: "Not Available"). In summary, the available evidence is currently insufficient to determine the role of this variant in disease. Therefore, it has been classified as a Variant of Uncertain Significance.